The following is an entry in ClinVar:

NM_001025603.2(RFX5):c.1768del (p.Gln590fs)

Gene: RFX5 (regulatory factor X5; minus strand). Cytogenetic location: 1q21.3.
Variant type: Deletion.
Coding change: c.1768del on transcript NM_001025603.2 (MANE Select); coding-DNA position 1768, one base deleted (C; older notation c.1768delC).
Protein change: p.Gln590fs; shifts the reading frame from glutamine 590.
Molecular consequence: frameshift variant.
Genome position (GRCh38, 1-based): chr1:151,342,269, G deleted on the plus strand (C on the coding strand, the reverse complement: RFX5 is on the minus strand). VCF-style (leftmost placement, unchanged base first): chr1-151342268-TG-T. GRCh37 (hg19) VCF-style: chr1-151314744-TG-T.
Other names: c.1768del, p.Gln590fs (NM_000449.4, NM_001379412.1, NM_001379413.1 and 5 more transcripts); c.1648del, p.Gln550fs (NM_001379419.1, NM_001379420.1); short protein forms Q590fs, Q550fs.
Identifiers: ClinVar variation 1047831 (VCV001047831.4), dbSNP rs1650510452, ClinGen allele CA2479544261.
Genomic context (GRCh38, chr1:151,342,268, plus strand): 5'-TCTTTATGCTCCTGGGATAAGGAACTTTGAAGCACATGCTCCTTTAAGTCTTTATTACCC[TG>T]TGGTGCAGTGTCTACCTCTCCCTTTGCCAAAGGAAAAGCCTCCTTTTGGCTTCTGCTGCC-3'

ClinVar aggregate classification (germline): Uncertain significance (1 of 4 stars; one submission).

Conditions:
MHC class II deficiency. Also called: BLS, TYPE II; Bare lymphocyte syndrome 2. Identifiers: Orphanet 572, MedGen C5447452, MONDO:0008855.

Allele frequency attached by ClinVar (database versions not stated): gnomAD exomes below 0.00001.

Submission:

Labcorp Genetics (formerly Invitae), Labcorp
Classification: Uncertain significance for MHC class II deficiency. Last evaluated: 2020-06-10. Review status: criteria provided, single submitter. Criteria: Invitae Variant Classification Sherloc (09022015). Collection method: clinical testing. Allele origin: germline.
Comment: In summary, the available evidence is currently insufficient to determine the role of this variant in disease. Therefore, it has been classified as a Variant of Uncertain Significance. Experimental studies and prediction algorithms are not available or were not evaluated, and the functional significance of this variant is currently unknown. This variant has not been reported in the literature in individuals with RFX5-related conditions. This variant is not present in population databases (ExAC no frequency). This sequence change results in a premature translational stop signal in the RFX5 gene (p.Gln590Argfs*6). While this is not anticipated to result in nonsense mediated decay, it is expected to disrupt the last 27 amino acids of the RFX5 protein.